The following is an entry in ClinVar:

ClinVar aggregate classification (germline): Likely benign. Review status: criteria provided, multiple submitters, no conflicts (2 of 4 stars). 3 submissions from 3 submitters: Likely benign (3). Last evaluated 2025-08-01.

Conditions:
DiGeorge syndrome. Also called: THIRD AND FOURTH PHARYNGEAL POUCH SYNDROME; Catch22. Identifiers: Orphanet 567, MedGen C0012236, MONDO:0008564, OMIM 188400.
Cardiovascular phenotype. Identifiers: MedGen CN230736.

Allele frequency attached by ClinVar (database versions not stated): TOPMed below 0.00001; gnomAD 0.00001.
gnomAD v4.1: 4 of 1,338,790 alleles (0.0003%); highest among the groups gnomAD compares: Admixed American, 0.01%; no homozygotes.

Submissions (3):

CeGaT Center for Human Genetics Tuebingen
Classification: Likely benign. Last evaluated: 2025-08-01. Review status: criteria provided, single submitter. Criteria: CeGaT Center For Human Genetics Tuebingen Variant Classification Criteria Version 2. Collection method: clinical testing. Allele origin: germline. Affected: yes. Observed: 1 variant allele.
Comment: TBX1: BP4, BP7

Labcorp Genetics (formerly Invitae), Labcorp
Classification: Likely benign for DiGeorge syndrome. Last evaluated: 2024-10-29. Review status: criteria provided, single submitter. Criteria: Invitae Variant Classification Sherloc (09022015). Collection method: clinical testing. Allele origin: germline.

Ambry Genetics
Classification: Likely benign for Cardiovascular phenotype. Last evaluated: 2024-03-22. Review status: criteria provided, single submitter. Criteria: Ambry Variant Classification Scheme 2023. Collection method: clinical testing. Allele origin: germline.

NM_001379200.1(TBX1):c.1095G>A (p.Gly365=)

Gene: TBX1 (T-box transcription factor 1; plus strand). Cytogenetic location: 22q11.21.
Variant type: single nucleotide variant.
Coding change: c.1095G>A on transcript NM_001379200.1 (MANE Select); coding-DNA position 1095, G replaced by A.
Protein change: p.Gly365=; no amino-acid change (glycine 365 retained).
Molecular consequence: synonymous variant. On other transcripts: intron variant (2).
Genome position (GRCh38, 1-based): chr22:19,766,447, G>A. VCF-style: chr22-19766447-G-A. GRCh37 (hg19) VCF-style: chr22-19753970-G-A.
Other names: c.1068G>A, p.Gly356= (NM_080647.1); c.1009+445G>A (NM_005992.1, NM_080646.2).
Identifiers: ClinVar variation 2047885 (VCV002047885.11), dbSNP rs1439655563, ClinGen allele CA513687154.